The following is an entry in ClinVar:

NM_007294.4(BRCA1):c.3526G>A (p.Val1176Ile)

Genes: BRCA1 (BRCA1 DNA repair associated; minus strand), LOC126862571 (BRD4-independent group 4 enhancer GRCh37_chr17:41243136-41244335; plus strand). Cytogenetic location: 17q21.31.
Variant type: single nucleotide variant.
Coding change: c.3526G>A on transcript NM_007294.4 (MANE Select); coding-DNA position 3526, G replaced by A.
Protein change: p.Val1176Ile; replaces valine 1176 with isoleucine.
Molecular consequence: missense variant. On other transcripts: intron variant (135).
Genome position (GRCh38, 1-based): chr17:43,092,005, C>T on the plus strand (G>A on the coding strand, the complement: BRCA1 is on the minus strand). VCF-style: chr17-43092005-C-T. GRCh37 (hg19) VCF-style: chr17-41244022-C-T.
Other names: c.3526G>A (NM_007300.3); c.3313G>A, p.Val1105Ile (NM_001407571.1, NM_001407853.1, NM_001407894.1 and 9 more transcripts); c.3526G>A, p.Val1176Ile (NM_001407581.1, NM_001407582.1, NM_001407583.1 and 30 more transcripts); c.3523G>A, p.Val1175Ile (NM_001407587.1, NM_001407590.1, NM_001407591.1 and 22 more transcripts); c.3517G>A, p.Val1173Ile (NM_001407646.1, NM_001407647.1); c.3403G>A, p.Val1135Ile (NM_001407648.1, NM_001407664.1, NM_001407665.1 and 19 more transcripts); c.3400G>A, p.Val1134Ile (NM_001407649.1, NM_001407670.1, NM_001407671.1 and 11 more transcripts); c.3448G>A, p.Val1150Ile (NM_001407653.1, NM_001407654.1, NM_001407655.1 and 4 more transcripts); and 42 more; short protein forms V1176I, V1129I, V1065I, V1088I, V1128I, V1173I, V880I, V1087I.
Identifiers: ClinVar variation 565640 (VCV000565640.19), dbSNP rs777796838, ClinGen allele CA059403.
Genomic context (GRCh38, chr17:43,092,005, plus strand): 5'-TATGGGTGAAAGGGCTAGGACTCCTGCTAAGCTCTCCTTTCTGGACGCTTTTGCTAAAAA[C>T]AGCAGAACTTTCCTTAATGTCATTTTCAGCAAAACTAGTATCTTCCTTTATTTCACCATC-3'
Protein context (NP_009225.1, residues 1166-1186): AENDIKESSA[Val1176Ile]FSKSVQKGEL

ClinVar aggregate classification (germline): Conflicting classifications of pathogenicity. Review status: criteria provided, conflicting classifications (1 of 4 stars). 5 submissions from 5 submitters: Uncertain significance (3); Likely benign (1). 1 of the submissions does not count toward it. Last evaluated 2025-05-08.

Conditions:
Breast-ovarian cancer, familial, susceptibility to, 1 (BROVCA1). Also called: BRCA1 Hereditary Breast and Ovarian Cancer; OVARIAN CANCER, SUSCEPTIBILITY TO. Identifiers: Orphanet 145, MedGen C2676676, MONDO:0011450, OMIM 604370. Disease mechanism: loss of function.
Hereditary cancer-predisposing syndrome. Also called: Tumor predisposition; Neoplastic Syndromes, Hereditary; Hereditary Cancer Syndrome; Hereditary neoplastic syndrome. Identifiers: Orphanet 140162, MedGen C0027672, MeSH D009386, MONDO:0015356.
Hereditary breast ovarian cancer syndrome. Also called: Hereditary breast and ovarian cancer; Hereditary breast and ovarian cancer syndrome; Hereditary breast and ovarian cancer syndrome (HBOC); Breast and ovarian cancer; BRCA1- and BRCA2-Associated Hereditary Breast and Ovarian Cancer; Hereditary breast and/or ovarian cancer syndrome. Identifiers: Orphanet 145, MedGen C0677776, MeSH D061325, MONDO:0003582. Disease mechanism: loss of function.

Allele frequency attached by ClinVar (database versions not stated): gnomAD exomes below 0.00001; ExAC 0.00001.
gnomAD v4.1: 2 of 1,614,120 alleles (0.00012%); highest among the groups gnomAD compares: Middle Eastern, 0.016%; no homozygotes.

Submissions (5):

Labcorp Genetics (formerly Invitae), Labcorp
Classification: Uncertain significance for Hereditary breast ovarian cancer syndrome. Last evaluated: 2025-05-08. Review status: criteria provided, single submitter. Criteria: Invitae Variant Classification Sherloc (09022015). Collection method: clinical testing. Allele origin: germline.
Comment: This sequence change replaces valine, which is neutral and non-polar, with isoleucine, which is neutral and non-polar, at codon 1176 of the BRCA1 protein (p.Val1176Ile). This variant is present in population databases (rs777796838, gnomAD 0.0009%). This variant has not been reported in the literature in individuals affected with BRCA1-related conditions. ClinVar contains an entry for this variant (Variation ID: 565640). Invitae Evidence Modeling of protein sequence and biophysical properties (such as structural, functional, and spatial information, amino acid conservation, physicochemical variation, residue mobility, and thermodynamic stability) indicates that this missense variant is not expected to disrupt BRCA1 protein function with a negative predictive value of 80%. In summary, the available evidence is currently insufficient to determine the role of this variant in disease. Therefore, it has been classified as a Variant of Uncertain Significance.

Ambry Genetics
Classification: Uncertain significance for Hereditary cancer-predisposing syndrome. Last evaluated: 2024-03-19. Review status: criteria provided, single submitter. Criteria: Ambry Variant Classification Scheme 2023. Collection method: clinical testing. Allele origin: germline.
Comment: The p.V1176I variant (also known as c.3526G>A), located in coding exon 9 of the BRCA1 gene, results from a G to A substitution at nucleotide position 3526. The valine at codon 1176 is replaced by isoleucine, an amino acid with highly similar properties. This alteration has been identified in multiple individuals diagnosed with breast and/or ovarian cancer (El Saghir NS et al. Oncologist, 2015 Apr;20:357-64; Farra C et al. Hered Cancer Clin Pract, 2019 Jan;17:4; Abdel-Razeq H et al. Front Oncol, 2022 Mar;12:673094; Azim HA et al. Oncol Ther, 2023 Dec;11:445-459). This amino acid position is well conserved in available vertebrate species. In addition, the in silico prediction for this alteration is inconclusive. Based on the available evidence, the clinical significance of this alteration remains unclear.

University of Washington Department of Laboratory Medicine, University of Washington
Classification: Likely benign for Hereditary cancer-predisposing syndrome. Last evaluated: 2023-03-23. Review status: criteria provided, single submitter. Criteria: Dines et al. (Genet Med. 2020). Collection method: curation. Allele origin: germline.
Comment: Missense variant in a coldspot region where missense variants are very unlikely to be pathogenic (PMID:31911673).

BRCA1 coldspot (exon 11 using historical exon numbering). Reclassification based on statistical prior probability

GeneDx
Classification: Uncertain significance. Last evaluated: 2021-01-21. Review status: criteria provided, single submitter. Criteria: GeneDx Variant Classification Process June 2021. Collection method: clinical testing. Allele origin: germline. Affected: yes.
Comment: Not observed at a significant frequency in large population cohorts (Lek 2016); In silico analysis supports that this missense variant does not alter protein structure/function; Also known as 3645G>A; Observed in individuals with a personal and/or family history of breast and/or ovarian cancer (Jalkh 2012, Farra 2019); This variant is associated with the following publications: (PMID: 30675319, 25777348, 22713736)

KCCC/NGS Laboratory, Kuwait Cancer Control Center
Classification: Uncertain significance for Breast-ovarian cancer, familial, susceptibility to, 1. Last evaluated: 2023-05-05. Review status: no assertion criteria provided. Collection method: clinical testing. Allele origin: germline. Affected: yes. Not counted in ClinVar's aggregate classification.
Comment: This sequence change replaces valine with isoleucine at codon 1176 of the BRCA1 protein (p.Val1176Ile). The valine residue is moderately conserved and there is a small physicochemical difference between valine and isoleucine. This variant is present in population databases (rs777796838, ExAC 0.002%). This variant has been reported in an individual with a personal or family history of breast and/or ovarian cancer (PMID: 22713736). This variant is also known as c.3646T>A in the literature. Algorithms developed to predict the effect of missense changes on protein structure and function output the following: SIFT: "Tolerated"; PolyPhen-2: "Possibly Damaging"; Align-GVGD: "Class C0". The isoleucine amino acid residue is found in multiple mammalian species, suggesting that this missense change does not adversely affect protein function. These predictions have not been confirmed by published functional studies and their clinical significance is uncertain. In summary, the available evidence is currently insufficient to determine the role of this variant in disease. Therefore, it has been classified as a Variant of Uncertain Significance.

Literature cited by the submitters: PubMed 25777348 (cited by Ambry Genetics); PubMed 30675319 (cited by Ambry Genetics); PubMed 35402282 (cited by Ambry Genetics); PubMed 37731153 (cited by Ambry Genetics); PubMed 20104584 (cited by KCCC/NGS Laboratory, Kuwait Cancer Control Center).